The following is an entry in ClinVar:

ClinVar aggregate classification (germline): Pathogenic/Likely pathogenic. Review status: criteria provided, multiple submitters, no conflicts (2 of 4 stars). 2 submissions from 2 submitters: Pathogenic (1); Likely pathogenic (1). Last evaluated 2023-07-04.

Conditions:
Lysinuric protein intolerance (LPI). Identifiers: Orphanet 470, MedGen C0268647, MONDO:0009109, OMIM 222700.

Submissions (2):

Baylor Genetics
Classification: Likely pathogenic for Lysinuric protein intolerance. Last evaluated: 2023-07-04. Review status: criteria provided, single submitter. Criteria: ACMG Guidelines, 2015. Collection method: clinical testing. Allele origin: unknown.

Labcorp Genetics (formerly Invitae), Labcorp
Classification: Pathogenic for Lysinuric protein intolerance. Last evaluated: 2023-06-25. Review status: criteria provided, single submitter. Criteria: Invitae Variant Classification Sherloc (09022015). Collection method: clinical testing. Allele origin: germline.
Comment: For these reasons, this variant has been classified as Pathogenic. This variant has not been reported in the literature in individuals affected with SLC7A7-related conditions. This variant is not present in population databases (gnomAD no frequency). This sequence change creates a premature translational stop signal (p.Ala24Profs*8) in the SLC7A7 gene. It is expected to result in an absent or disrupted protein product. Loss-of-function variants in SLC7A7 are known to be pathogenic (PMID: 10631139, 17764084).

Literature cited by the submitters: PubMed 10631139 (cited by Labcorp Genetics (formerly Invitae), Labcorp); PubMed 17764084 (cited by Labcorp Genetics (formerly Invitae), Labcorp).

NM_003982.4(SLC7A7):c.70del (p.Ala24fs)

Genes: SLC7A7 (solute carrier family 7 member 7; minus strand), LOC130055323 (ATAC-STARR-seq lymphoblastoid silent region 5589; plus strand). Cytogenetic location: 14q11.2.
Variant type: Deletion.
Coding change: c.70del on transcript NM_003982.4 (MANE Select); coding-DNA position 70, one base deleted (G; older notation c.70delG).
Protein change: p.Ala24fs; shifts the reading frame from alanine 24.
Molecular consequence: frameshift variant.
Genome position (GRCh38, 1-based): chr14:22,813,329, C deleted on the plus strand (G on the coding strand, the reverse complement: SLC7A7 is on the minus strand); the first of 4 consecutive C bases (chr14:22,813,329-22,813,332); deleting any one gives the same sequence. VCF-style (leftmost placement, unchanged base first): chr14-22813328-GC-G. GRCh37 (hg19) VCF-style: chr14-23282537-GC-G.
Other names: c.70del, p.Ala24fs (NM_001126105.3, NM_001126106.4); short protein forms A24fs.
Identifiers: ClinVar variation 2678979 (VCV002678979.4), dbSNP rs2501977813, ClinGen allele CA2695199798.